The following is an entry in ClinVar:

ClinVar aggregate classification (germline): Uncertain significance (1 of 4 stars; one submission).

Submission:

Labcorp Genetics (formerly Invitae), Labcorp
Classification: Uncertain significance. Last evaluated: 2020-12-08. Review status: criteria provided, single submitter. Criteria: Invitae Variant Classification Sherloc (09022015). Collection method: clinical testing. Allele origin: germline.
Comment: This sequence change replaces phenylalanine with leucine at codon 15 of the GZF1 protein (p.Phe15Leu). The phenylalanine residue is weakly conserved and there is a small physicochemical difference between phenylalanine and leucine. This variant is not present in population databases (ExAC no frequency). This variant has not been reported in the literature in individuals with GZF1-related conditions. Algorithms developed to predict the effect of missense changes on protein structure and function output the following: SIFT: "Not Available"; PolyPhen-2: "Benign"; Align-GVGD: "Not Available". The leucine amino acid residue is found in multiple mammalian species, suggesting that this missense change does not adversely affect protein function. These predictions have not been confirmed by published functional studies and their clinical significance is uncertain. In summary, the available evidence is currently insufficient to determine the role of this variant in disease. Therefore, it has been classified as a Variant of Uncertain Significance.

NM_022482.5(GZF1):c.43T>C (p.Phe15Leu)

Gene: GZF1 (GDNF inducible zinc finger protein 1; plus strand). Cytogenetic location: 20p11.21.
Variant type: single nucleotide variant.
Coding change: c.43T>C on transcript NM_022482.5 (MANE Select); coding-DNA position 43, T replaced by C.
Protein change: p.Phe15Leu; replaces phenylalanine 15 with leucine.
Molecular consequence: missense variant.
Genome position (GRCh38, 1-based): chr20:23,364,426, T>C. VCF-style: chr20-23364426-T-C. GRCh37 (hg19) VCF-style: chr20-23345063-T-C.
Other names: c.43T>C, p.Phe15Leu (NM_001317012.2, NM_001317019.1); short protein forms F15L.
Identifiers: ClinVar variation 1396233 (VCV001396233.6), dbSNP rs2123031589, ClinGen allele CA408408571.
Genomic context (GRCh38, chr20:23,364,426, plus strand): 5'-TTTTTGGAAGGAAGAAAGATGGAAAGCGGTGCAGTTCTGCTGGAATCCAAATCCTCCCCA[T>C]TTAACCTACTGCATGAGATGCATGAGCTTCGCCTCCTGGGTCACCTGTGTGACGTGACAG-3'
Protein context (NP_071927.1, residues 5-25): AVLLESKSSP[Phe15Leu]NLLHEMHELR